The following is an entry in ClinVar:

ClinVar aggregate classification (germline): Uncertain significance (1 of 4 stars; one submission).

Conditions:
Familial cold autoinflammatory syndrome 2 (FCAS2). Identifiers: Orphanet 247868, MedGen C2673198, MONDO:0012724, OMIM 611762.

Submission:

Labcorp Genetics (formerly Invitae), Labcorp
Classification: Uncertain significance for Familial cold autoinflammatory syndrome 2. Last evaluated: 2024-09-19. Review status: criteria provided, single submitter. Criteria: Invitae Variant Classification Sherloc (09022015). Collection method: clinical testing. Allele origin: germline.
Comment: This sequence change replaces histidine, which is basic and polar, with tyrosine, which is neutral and polar, at codon 586 of the NLRP12 protein (p.His586Tyr). Information on the frequency of this variant in the gnomAD database is not available, as this variant may be reported differently in the database. This variant has not been reported in the literature in individuals affected with NLRP12-related conditions. ClinVar contains an entry for this variant (Variation ID: 953560). Experimental studies and prediction algorithms are not available or were not evaluated, and the functional significance of this variant is currently unknown. In summary, the available evidence is currently insufficient to determine the role of this variant in disease. Therefore, it has been classified as a Variant of Uncertain Significance.

NM_144687.4(NLRP12):c.1755_1756delinsCT (p.His586Tyr)

Gene: NLRP12 (NLR family pyrin domain containing 12; minus strand). Cytogenetic location: 19q13.42.
Variant type: Indel.
Coding change: c.1755_1756delinsCT on transcript NM_144687.4 (MANE Select); coding-DNA positions 1755 to 1756, GC replaced by CT.
Protein change: p.His586Tyr; replaces histidine 586 with tyrosine.
Molecular consequence: missense variant.
Genome position (GRCh38, 1-based): chr19:53,809,903-53,809,904, GC replaced by AG on the plus strand (GC replaced by CT on the coding strand, the reverse complement: NLRP12 is on the minus strand). VCF-style: chr19-53809903-GC-AG. GRCh37 (hg19) VCF-style: chr19-54313157-GC-AG.
Other names: c.1755_1756delinsCT, p.His586Tyr (NM_001277126.2, NM_001277129.1); short protein forms H586Y.
Identifiers: ClinVar variation 953560 (VCV000953560.8), dbSNP rs2092033365, ClinGen allele CA1139666577.